The following is an entry in ClinVar:

NM_006662.3(SRCAP):c.5206C>G (p.Pro1736Ala)

Gene: SRCAP (Snf2 related CREBBP activator protein; plus strand). Cytogenetic location: 16p11.2.
Variant type: single nucleotide variant.
Coding change: c.5206C>G on transcript NM_006662.3 (MANE Select); coding-DNA position 5206, C replaced by G.
Protein change: p.Pro1736Ala; replaces proline 1736 with alanine.
Molecular consequence: missense variant.
Genome position (GRCh38, 1-based): chr16:30,724,630, C>G. VCF-style: chr16-30724630-C-G. GRCh37 (hg19) VCF-style: chr16-30735951-C-G.
Other names: short protein forms P1736A.
Identifiers: ClinVar variation 1473542 (VCV001473542.28), dbSNP rs199521388, ClinGen allele CA8011917.

ClinVar aggregate classification (germline): Conflicting classifications of pathogenicity. Review status: criteria provided, conflicting classifications (1 of 4 stars). 2 submissions from 2 submitters: Uncertain significance (1); Likely benign (1). Last evaluated 2026-02-01.

Allele frequency attached by ClinVar (database versions not stated): ExAC 0.00015; TOPMed 0.00015; gnomAD 0.00017; gnomAD exomes 0.00017; ESP Exome Variant Server 0.00023.
gnomAD v4.1: 268 of 1,614,084 alleles (0.017%); highest among the groups gnomAD compares: Middle Eastern, 0.049%; no homozygotes.

Submissions (2):

Labcorp Genetics (formerly Invitae), Labcorp
Classification: Uncertain significance. Last evaluated: 2026-02-01. Review status: criteria provided, single submitter. Criteria: Invitae Variant Classification Sherloc (09022015). Collection method: clinical testing. Allele origin: germline.
Comment: This sequence change replaces proline, which is neutral and non-polar, with alanine, which is neutral and non-polar, at codon 1736 of the SRCAP protein (p.Pro1736Ala). This variant is present in population databases (rs199521388, gnomAD 0.03%), and has an allele count higher than expected for a pathogenic variant. This missense change has been observed in individual(s) with 34906459 (clinical features of Floating-Harbor syndrome). ClinVar contains an entry for this variant (Variation ID: 1473542). Invitae Evidence Modeling of protein sequence and biophysical properties (such as structural, functional, and spatial information, amino acid conservation, physicochemical variation, residue mobility, and thermodynamic stability) indicates that this missense variant is not expected to disrupt SRCAP protein function with a negative predictive value of 80%. In summary, the available evidence is currently insufficient to determine the role of this variant in disease. Therefore, it has been classified as a Variant of Uncertain Significance.

CeGaT Center for Human Genetics Tuebingen
Classification: Likely benign. Last evaluated: 2025-09-01. Review status: criteria provided, single submitter. Criteria: CeGaT Center For Human Genetics Tuebingen Variant Classification Criteria Version 2. Collection method: clinical testing. Allele origin: germline. Affected: yes. Observed: 4 variant alleles.
Comment: SRCAP: BS2